The following is an entry in ClinVar:

ClinVar aggregate classification (germline): Uncertain significance (1 of 4 stars; one submission).

Conditions:
Cardiovascular phenotype. Identifiers: MedGen CN230736.

Submission:

Ambry Genetics
Classification: Uncertain significance for Cardiovascular phenotype. Last evaluated: 2025-12-01. Review status: criteria provided, single submitter. Criteria: Ambry Variant Classification Scheme 2023. Collection method: clinical testing. Allele origin: germline.
Comment: The p.M346I variant (also known as c.1038G>A), located in coding exon 7 of the LMF1 gene, results from a G to A substitution at nucleotide position 1038. The methionine at codon 346 is replaced by isoleucine, an amino acid with highly similar properties. This amino acid position is conserved. In addition, this alteration is predicted to be tolerated by in silico analysis. Based on the available evidence, the clinical significance of this variant remains unclear.

NM_022773.4(LMF1):c.1038G>A (p.Met346Ile)

Gene: LMF1 (lipase maturation factor 1; minus strand). Cytogenetic location: 16p13.3.
Variant type: single nucleotide variant.
Coding change: c.1038G>A on transcript NM_022773.4 (MANE Select); coding-DNA position 1038, G replaced by A.
Protein change: p.Met346Ile; replaces methionine 346 with isoleucine.
Molecular consequence: missense variant. On other transcripts: non-coding transcript variant (1).
Genome position (GRCh38, 1-based): chr16:871,201, C>T on the plus strand (G>A on the coding strand, the complement: LMF1 is on the minus strand). VCF-style: chr16-871201-C-T. GRCh37 (hg19) VCF-style: chr16-921201-C-T.
Other names: c.387G>A, p.Met129Ile (NM_001352017.2, NM_001352021.2); c.639G>A, p.Met213Ile (NM_001352018.2); c.711G>A, p.Met237Ile (NM_001352019.2); c.1038G>A, p.Met346Ile (NM_001352020.1); short protein forms M346I, M213I, M237I, M129I.
Identifiers: ClinVar variation 3290942 (VCV003290942.2).